The following is an entry in ClinVar:

NM_175914.5(HNF4A):c.*547G>A

Gene: HNF4A (hepatocyte nuclear factor 4 alpha; plus strand). Cytogenetic location: 20q13.12.
Variant type: single nucleotide variant.
Coding change: c.*547G>A on transcript NM_175914.5 (MANE Select); 547 bases downstream of the stop codon, G replaced by A.
Molecular consequence: 3 prime UTR variant.
Genome position (GRCh38, 1-based): chr20:44,430,212, G>A. VCF-style: chr20-44430212-G-A. GRCh37 (hg19) VCF-style: chr20-43058852-G-A.
Other names: c.*547G>A (NM_000457.6, NM_001030003.3, NM_001258355.2 and 3 more transcripts).
Identifiers: ClinVar variation 895324 (VCV000895324.5), dbSNP rs1031904976, ClinGen allele CA315421299.

ClinVar aggregate classification (germline): Conflicting classifications of pathogenicity. Review status: criteria provided, conflicting classifications (1 of 4 stars). 3 submissions from 2 submitters: Uncertain significance (2); Benign (1). Last evaluated 2018-01-12.

Conditions:
Maturity-onset diabetes of the young (MODY). Also called: Maturity onset diabetes mellitus in young. Identifiers: Orphanet 552, MedGen C0342276, MONDO:0018911, HP:0004904.
Maturity-onset diabetes of the young type 1. Also called: MODY type 1; Diabetes mellitus MODY type 1; MODY HNF4A related; MILD JUVENILE DIABETES MELLITUS; HNF4A-Related Maturity-Onset Diabetes of the Young Type 1; MODY, type I. Identifiers: Orphanet 552, MedGen C1852093, MONDO:0007452, OMIM 125850. Disease mechanism: loss of function.
Familial hyperinsulinism. Also called: Congenital hyperinsulinism. Identifiers: Orphanet 276525, MedGen C3888018, MONDO:0017182. Disease mechanism: loss of function.

Allele frequency attached by ClinVar (database versions not stated): TOPMed 0.00021; gnomAD 0.00023 and 0.00026; gnomAD exomes 0.00083.
gnomAD v4.1: 37 of 154,688 alleles (0.024%); highest among the groups gnomAD compares: Non-Finnish European, 0.042%; no homozygotes.

Submissions (3):

Illumina Laboratory Services, Illumina
Classification: Uncertain significance for Familial hyperinsulinism. Last evaluated: 2018-01-12. Review status: criteria provided, single submitter. Criteria: ICSL Variant Classification Criteria 13 December 2019. Collection method: clinical testing. Allele origin: germline.

Illumina Laboratory Services, Illumina
Classification: Uncertain significance for Maturity-onset diabetes of the young type 1. Last evaluated: 2018-01-12. Review status: criteria provided, single submitter. Criteria: ICSL Variant Classification Criteria 13 December 2019. Collection method: clinical testing. Allele origin: germline.

Clinical Genomics, Uppaluri K&H Personalized Medicine Clinic
Classification: Benign for Maturity-onset diabetes of the young. Review status: criteria provided, single submitter. Criteria: K & H Uppaluri Personalized Medicine Clinic Variant Classification & Assertion Criteria_Updated V.1. Collection method: research. Allele origin: unknown. Inheritance: Autosomal dominant inheritance.
Comment: Potent mutations in HNF4A are associated with poor insulin secretion in response to hyperglycemia. Associated with MODY1. Patients initially respond well to sulfonylureas but eventually become insulin dependent. However, more evidence is required to ascertain the role of this particular variant rs1031904976 in MODY, yet.

Literature cited by the submitters: DOI 10.1159/000334532 (cited by Clinical Genomics, Uppaluri K&H Personalized Medicine Clinic); PubMed 18268044 (cited by Clinical Genomics, Uppaluri K&H Personalized Medicine Clinic); PubMed 17563455 (cited by Clinical Genomics, Uppaluri K&H Personalized Medicine Clinic); PubMed 32583173 (cited by Clinical Genomics, Uppaluri K&H Personalized Medicine Clinic); PubMed 35052457 (cited by Clinical Genomics, Uppaluri K&H Personalized Medicine Clinic); PubMed 35118593 (cited by Clinical Genomics, Uppaluri K&H Personalized Medicine Clinic).